The following is an entry in ClinVar:

NM_006035.4(CDC42BPB):c.394G>A (p.Asp132Asn)

Gene: CDC42BPB (CDC42 binding protein kinase beta; minus strand). Cytogenetic location: 14q32.32.
Variant type: single nucleotide variant.
Coding change: c.394G>A on transcript NM_006035.4 (MANE Select); coding-DNA position 394, G replaced by A.
Protein change: p.Asp132Asn; replaces aspartic acid 132 with asparagine.
Molecular consequence: missense variant.
Genome position (GRCh38, 1-based): chr14:103,003,981, C>T on the plus strand (G>A on the coding strand, the complement: CDC42BPB is on the minus strand). VCF-style: chr14-103003981-C-T. GRCh37 (hg19) VCF-style: chr14-103470318-C-T.
Other names: c.394G>A, p.Asp132Asn (NM_001411054.1); short protein forms D132N.
Identifiers: ClinVar variation 4883009 (VCV004883009.2).

ClinVar aggregate classification (germline): Uncertain significance (1 of 4 stars; one submission).

Conditions:
Chilton-Okur-Chung neurodevelopmental syndrome (CHOCNS). Identifiers: MedGen C5677022, MONDO:0859239, OMIM 619841.

gnomAD v4.1: 4 of 1,610,292 alleles (0.00025%); highest among the groups gnomAD compares: East Asian, 0.0022%; no homozygotes.

Submission:

Dasa
Classification: Uncertain significance for Chilton-Okur-Chung neurodevelopmental syndrome. Last evaluated: 2025-09-18. Review status: criteria provided, single submitter. Criteria: DASA Assertion Criteria. Collection method: clinical testing. Allele origin: germline.
Comment: NM_006035.4(CDC42BPB):c.394G>A (p.Asp132Asn) is a missense variant that results in the substitution of aspartic acid with asparagine. This variant is rare in population databases. The currently available literature and clinical evidence are not sufficient to establish a definitive association between this variant and the reported condition. Therefore, this variant is classified as a variant of uncertain significance.